The following is an entry in ClinVar:

ClinVar aggregate classification (germline): Benign. Review status: criteria provided, multiple submitters, no conflicts (2 of 4 stars). 17 submissions from 15 submitters: Benign (11). 6 of the submissions do not count toward it. Last evaluated 2026-02-04.

Conditions:
Acrocallosal syndrome (ACLS). Also called: HALLUX DUPLICATION, POSTAXIAL POLYDACTYLY, AND ABSENCE OF CORPUS CALLOSUM; Schinzel syndrome 1; Absence of corpus callosum with unusual facial appearance, mental deficiency, duplication of the halluces and polydactyly. Identifiers: Orphanet 36, MedGen C0796147, MONDO:0008708, OMIM 200990.
Hydrolethalus syndrome 2 (HLS2). Identifiers: Orphanet 2189, MedGen C3279899, MONDO:0013585, OMIM 614120.
Multiple epiphyseal dysplasia, Al-Gazali type. Also called: Macrocephaly with multiple epiphyseal dysplasia and distinctive facies. Identifiers: Orphanet 166024, MedGen C1846722, MONDO:0011778, OMIM 607131.

Allele frequency attached by ClinVar (database versions not stated): TOPMed 0.20494; gnomAD 0.20556 and 0.21214; 1000 Genomes Project 30x 0.23579; 1000 Genomes Project 0.24241; gnomAD exomes 0.25861 and 0.26518; ExAC 0.26968.

Submissions (17):

Labcorp Genetics (formerly Invitae), Labcorp
Classification: Benign for Acrocallosal syndrome. Last evaluated: 2026-02-04. Review status: criteria provided, single submitter. Criteria: Invitae Variant Classification Sherloc (09022015). Collection method: clinical testing. Allele origin: germline.

Blueprint Genetics
Classification: Benign. Last evaluated: 2024-11-28. Review status: criteria provided, single submitter. Criteria: ACMG Guidelines, 2015. Collection method: clinical testing. Allele origin: germline.

Mayo Clinic Laboratories, Mayo Clinic
Classification: Benign. Last evaluated: 2022-03-09. Review status: criteria provided, single submitter. Criteria: ACMG Guidelines, 2015. Collection method: clinical testing. Allele origin: germline. Observed: 38 variant alleles.

Genome-Nilou Lab
Classification: Benign for Multiple epiphyseal dysplasia, Al-Gazali type. Last evaluated: 2021-08-19. Review status: criteria provided, single submitter. Criteria: ACMG Guidelines, 2015. Collection method: clinical testing. Allele origin: germline. Affected: no.

Genome-Nilou Lab
Classification: Benign for Hydrolethalus syndrome 2. Last evaluated: 2021-08-19. Review status: criteria provided, single submitter. Criteria: ACMG Guidelines, 2015. Collection method: clinical testing. Allele origin: germline. Affected: no.

Genome-Nilou Lab
Classification: Benign for Acrocallosal syndrome. Last evaluated: 2021-08-19. Review status: criteria provided, single submitter. Criteria: ACMG Guidelines, 2015. Collection method: clinical testing. Allele origin: germline. Affected: no.

Illumina Laboratory Services, Illumina
Classification: Benign for Acrocallosal syndrome. Last evaluated: 2017-04-27. Review status: criteria provided, single submitter. Criteria: ICSL Variant Classification Criteria 13 December 2019. Collection method: clinical testing. Allele origin: germline.
Comment: This variant was observed as part of a predisposition screen in an ostensibly healthy population. A literature search was performed for the gene, cDNA change, and amino acid change (where applicable). No publications were found based on this search. Allele frequency data from public databases was too high to be consistent with this variant causing disease. Therefore, this variant is classified as benign.

GeneDx
Classification: Benign. Last evaluated: 2015-03-03. Review status: criteria provided, single submitter. Criteria: GeneDx Variant Classification Process June 2021. Collection method: clinical testing. Allele origin: germline. Affected: yes.

Eurofins Ntd Llc (ga)
Classification: Benign. Last evaluated: 2014-06-13. Review status: criteria provided, single submitter. Criteria: EGL Classification Definitions 2015. Collection method: clinical testing. Allele origin: germline. Observed: 2 variant alleles, 2 heterozygotes.

Breakthrough Genomics
Classification: Benign. Review status: criteria provided, single submitter. Criteria: ACMG Guidelines, 2015. Collection method: not provided. Allele origin: germline. Inheritance: Autosomal recessive inheritance. Affected: yes.

PreventionGenetics, part of Exact Sciences
Classification: Benign. Review status: criteria provided, single submitter. Criteria: ACMG Guidelines, 2015. Collection method: clinical testing. Allele origin: germline.

Clinical Genetics DNA and cytogenetics Diagnostics Lab, Erasmus MC, Erasmus Medical Center
Classification: Benign. Review status: no assertion criteria provided. Collection method: clinical testing. Allele origin: germline. Affected: yes. Study: VKGL Data-share Consensus. Not counted in ClinVar's aggregate classification.

Clinical Genetics, Academic Medical Center
Classification: Benign. Review status: no assertion criteria provided. Collection method: clinical testing. Allele origin: germline. Affected: yes. Study: VKGL Data-share Consensus. Not counted in ClinVar's aggregate classification.

Diagnostic Laboratory, Department of Genetics, University Medical Center Groningen
Classification: Benign. Review status: no assertion criteria provided. Collection method: clinical testing. Allele origin: germline. Affected: yes. Study: VKGL Data-share Consensus. Not counted in ClinVar's aggregate classification.

Genetic Services Laboratory, University of Chicago
Classification: Likely benign for AllHighlyPenetrant. Review status: no assertion criteria provided. Collection method: clinical testing. Allele origin: germline. Inheritance: Autosomal recessive inheritance. Not counted in ClinVar's aggregate classification.
Comment: Likely benign based on allele frequency in 1000 Genomes Project or ESP global frequency and its presence in a patient with a rare or unrelated disease phenotype. NOT Sanger confirmed.

Genome Diagnostics Laboratory, University Medical Center Utrecht
Classification: Benign. Review status: no assertion criteria provided. Collection method: clinical testing. Allele origin: germline. Affected: yes. Study: VKGL Data-share Consensus. Not counted in ClinVar's aggregate classification.

Joint Genome Diagnostic Labs from Nijmegen and Maastricht, Radboudumc and MUMC+
Classification: Benign. Review status: no assertion criteria provided. Collection method: clinical testing. Allele origin: germline. Affected: yes. Study: VKGL Data-share Consensus. Not counted in ClinVar's aggregate classification.

NM_198525.3(KIF7):c.154G>A (p.Asp52Asn)

Gene: KIF7 (kinesin family member 7; minus strand). Cytogenetic location: 15q26.1.
Variant type: single nucleotide variant.
Coding change: c.154G>A on transcript NM_198525.3 (MANE Select); coding-DNA position 154, G replaced by A.
Protein change: p.Asp52Asn; replaces aspartic acid 52 with asparagine.
Molecular consequence: missense variant.
Genome position (GRCh38, 1-based): chr15:89,652,777, C>T on the plus strand (G>A on the coding strand, the complement: KIF7 is on the minus strand). VCF-style: chr15-89652777-C-T. GRCh37 (hg19) VCF-style: chr15-90196008-C-T.
Other names: short protein forms D52N.
Identifiers: ClinVar variation 129406 (VCV000129406.37), dbSNP rs8179065, ClinGen allele CA020220.